The following is an entry in ClinVar:

ClinVar aggregate classification (germline): Uncertain significance. Review status: criteria provided, multiple submitters, no conflicts (2 of 4 stars). 2 submissions from 2 submitters: Uncertain significance (2). Last evaluated 2022-06-29.

Conditions:
Cardiomyopathy (CMYO). Also called: Cardiomyopathies. Identifiers: Orphanet 167848, MedGen C0878544, MONDO:0004994, HP:0001638. Inheritance: Various modes of inheritance.

gnomAD v4.1: 7 of 1,605,772 alleles (0.00044%); highest among the groups gnomAD compares: Non-Finnish European, 0.00059%; no homozygotes.

Submissions (2):

Blueprint Genetics
Classification: Uncertain significance. Last evaluated: 2022-06-29. Review status: criteria provided, single submitter. Criteria: ACMG Guidelines, 2015. Collection method: clinical testing. Allele origin: germline.

Color Diagnostics, LLC DBA Color Health
Classification: Uncertain significance for Cardiomyopathy. Last evaluated: 2020-12-21. Review status: criteria provided, single submitter. Criteria: ACMG Guidelines, 2015. Collection method: clinical testing. Allele origin: germline.
Comment: This missense variant replaces isoleucine with valine at codon 1480 of the RYR2 protein. Computational prediction suggests that this variant may not impact protein structure and function (internally defined REVEL score threshold <= 0.5, PMID: 27666373). To our knowledge, functional studies have not been reported for this variant. This variant has not been reported in individuals affected with cardiovascular disorders in the literature. This variant has not been identified in the general population by the Genome Aggregation Database (gnomAD). The available evidence is insufficient to determine the role of this variant in disease conclusively. Therefore, this variant is classified as a Variant of Uncertain Significance.

NM_001035.3(RYR2):c.4438A>G (p.Ile1480Val)

Gene: RYR2 (ryanodine receptor 2; plus strand). Cytogenetic location: 1q43.
Variant type: single nucleotide variant.
Coding change: c.4438A>G on transcript NM_001035.3 (MANE Select); coding-DNA position 4438, A replaced by G.
Protein change: p.Ile1480Val; replaces isoleucine 1480 with valine.
Molecular consequence: missense variant.
Genome position (GRCh38, 1-based): chr1:237,595,499, A>G. VCF-style: chr1-237595499-A-G. GRCh37 (hg19) VCF-style: chr1-237758799-A-G.
Other names: short protein forms I1480V.
Identifiers: ClinVar variation 1172153 (VCV001172153.3), dbSNP rs2148474350, ClinGen allele CA345400040.